The following is an entry in ClinVar:

ClinVar aggregate classification (germline): Uncertain significance (1 of 4 stars; one submission).

Conditions:
Landau-Kleffner syndrome (FESD). Also called: EPILEPSY, FOCAL, WITH SPEECH DISORDER AND WITH OR WITHOUT MENTAL RETARDATION; APHASIA, ACQUIRED, WITH EPILEPSY. Identifiers: Orphanet 1945, Orphanet 725, Orphanet 98818, MedGen C0282512, MONDO:0009509, OMIM 245570.

gnomAD v4.1: 1 of 1,614,028 alleles (0.000062%); highest among the groups gnomAD compares: Non-Finnish European, 0.000085%; no homozygotes.

Submission:

Labcorp Genetics (formerly Invitae), Labcorp
Classification: Uncertain significance for Landau-Kleffner syndrome. Last evaluated: 2022-06-26. Review status: criteria provided, single submitter. Criteria: Invitae Variant Classification Sherloc (09022015). Collection method: clinical testing. Allele origin: germline.
Comment: Advanced modeling of protein sequence and biophysical properties (such as structural, functional, and spatial information, amino acid conservation, physicochemical variation, residue mobility, and thermodynamic stability) performed at Invitae indicates that this missense variant is not expected to disrupt GRIN2A protein function. In summary, the available evidence is currently insufficient to determine the role of this variant in disease. Therefore, it has been classified as a Variant of Uncertain Significance. This variant has not been reported in the literature in individuals affected with GRIN2A-related conditions. This variant is not present in population databases (gnomAD no frequency). This sequence change replaces isoleucine, which is neutral and non-polar, with arginine, which is basic and polar, at codon 422 of the GRIN2A protein (p.Ile422Arg).

NM_001134407.3(GRIN2A):c.1265T>G (p.Ile422Arg)

Gene: GRIN2A (glutamate ionotropic receptor NMDA type subunit 2A; minus strand). Cytogenetic location: 16p13.2.
Variant type: single nucleotide variant.
Coding change: c.1265T>G on transcript NM_001134407.3 (MANE Select); coding-DNA position 1265, T replaced by G.
Protein change: p.Ile422Arg; replaces isoleucine 422 with arginine.
Molecular consequence: missense variant.
Genome position (GRCh38, 1-based): chr16:9,849,819, A>C on the plus strand (T>G on the coding strand, the complement: GRIN2A is on the minus strand). VCF-style: chr16-9849819-A-C. GRCh37 (hg19) VCF-style: chr16-9943676-A-C.
Other names: c.1265T>G, p.Ile422Arg (NM_000833.5, NM_001134408.2); short protein forms I422R.
Identifiers: ClinVar variation 2010837 (VCV002010837.4), dbSNP rs372628324, ClinGen allele CA394801042.